The following is an entry in ClinVar:

NM_000540.3(RYR1):c.2781G>A (p.Thr927=)

Gene: RYR1 (ryanodine receptor 1; plus strand). Cytogenetic location: 19q13.2.
Variant type: single nucleotide variant.
Coding change: c.2781G>A on transcript NM_000540.3 (MANE Select); coding-DNA position 2781, G replaced by A.
Protein change: p.Thr927=; no amino-acid change (threonine 927 retained).
Molecular consequence: synonymous variant.
Genome position (GRCh38, 1-based): chr19:38,463,845, G>A. VCF-style: chr19-38463845-G-A. GRCh37 (hg19) VCF-style: chr19-38954485-G-A.
Other names: c.2781G>A, p.Thr927= (NM_001042723.2).
Identifiers: ClinVar variation 700003 (VCV000700003.27), dbSNP rs762155957, ClinGen allele CA063948.

ClinVar aggregate classification (germline): Likely benign. Review status: criteria provided, multiple submitters, no conflicts (2 of 4 stars). 6 submissions from 6 submitters: Likely benign (6). Last evaluated 2025-10-13.

Conditions:
RYR1-related disorder. Also called: RYR1-related disorders; RYR1-related condition. Identifiers: MedGen CN239331.
Malignant hyperthermia, susceptibility to, 1 (MHS1). Also called: Anesthesia related hyperthermia; Malignant hyperpyrexia; Fulminating hyperpyrexia; Pharmacogenic myopathy; RYR1-Related Malignant Hyperthermia Susceptibility; Malignant hyperthermia suceptibility 1. Identifiers: Orphanet 423, MedGen C2930980, MONDO:0007783, OMIM 145600.

Allele frequency attached by ClinVar (database versions not stated): TOPMed 0.00002; gnomAD 0.00003.
gnomAD v4.1: 32 of 1,613,240 alleles (0.002%); highest among the groups gnomAD compares: Middle Eastern, 0.033%; 1 homozygote.

Submissions (6):

Labcorp Genetics (formerly Invitae), Labcorp
Classification: Likely benign for RYR1-related disorder. Last evaluated: 2025-10-13. Review status: criteria provided, single submitter. Criteria: Invitae Variant Classification Sherloc (09022015). Collection method: clinical testing. Allele origin: germline.

CeGaT Center for Human Genetics Tuebingen
Classification: Likely benign. Last evaluated: 2024-12-01. Review status: criteria provided, single submitter. Criteria: CeGaT Center For Human Genetics Tuebingen Variant Classification Criteria Version 2. Collection method: clinical testing. Allele origin: germline. Affected: yes. Observed: 1 variant allele.
Comment: RYR1: BP4, BP7

Women's Health and Genetics/Laboratory Corporation of America, LabCorp
Classification: Likely benign. Last evaluated: 2024-09-26. Review status: criteria provided, single submitter. Criteria: LabCorp Variant Classification Summary - May 2015. Collection method: clinical testing. Allele origin: germline.

All of Us Research Program, National Institutes of Health
Classification: Likely benign for Malignant hyperthermia, susceptibility to, 1. Last evaluated: 2023-12-13. Review status: criteria provided, single submitter. Criteria: ACMG Guidelines, 2015. Collection method: clinical testing. Allele origin: germline. Inheritance: Autosomal dominant inheritance. Observed: 7 variant alleles, 7 heterozygotes.
Comment: This study involves interpretation of variants in research participants for the purpose of population health screening. Participant phenotype was not available at the time of variant classification. Additional details can be found in publication PMID: 35346344, PMCID: PMC8962531

Blueprint Genetics
Classification: Likely benign. Last evaluated: 2023-08-04. Review status: criteria provided, single submitter. Criteria: ACMG Guidelines, 2015. Collection method: clinical testing. Allele origin: germline.

Color Diagnostics, LLC DBA Color Health
Classification: Likely benign for Malignant hyperthermia, susceptibility to, 1. Last evaluated: 2022-11-06. Review status: criteria provided, single submitter. Criteria: ACMG Guidelines, 2015. Collection method: clinical testing. Allele origin: germline.